The following is an entry in ClinVar:

NM_000518.5(HBB):c.226del (p.Leu76fs)

Genes: HBB (hemoglobin subunit beta; minus strand), LOC106099062 (HBB recombination region; plus strand), LOC107133510 (origin of replication at HBB; plus strand). Cytogenetic location: 11p15.4.
Variant type: Deletion.
Coding change: c.226del on transcript NM_000518.5 (MANE Select); coding-DNA position 226, one base deleted (C; older notation c.226delC).
Protein change: p.Leu76fs; shifts the reading frame from leucine 76.
Molecular consequence: frameshift variant.
Genome position (GRCh38, 1-based): chr11:5,226,666, G deleted on the plus strand (C on the coding strand, the reverse complement: HBB is on the minus strand); the first of 2 consecutive G bases (chr11:5,226,666-5,226,667); deleting either gives the same sequence. VCF-style (leftmost placement, unchanged base first): chr11-5226665-AG-A. GRCh37 (hg19) VCF-style: chr11-5247895-AG-A.
Other names: c.226delC (NM_000518.5); short protein forms L76fs.
Identifiers: ClinVar variation 495983 (VCV000495983.4), dbSNP rs34218908, ClinGen allele CA217113957.

ClinVar aggregate classification (germline): Pathogenic/Likely pathogenic. Review status: criteria provided, multiple submitters, no conflicts (2 of 4 stars). 3 submissions from 3 submitters: Pathogenic (2); Likely pathogenic (1). Last evaluated 2024-02-25.

Conditions:
Hb SS disease (SCD). Also called: Hemoglobin SS; Sickle cell anemia; Sickle cell disease; HbS disease; Hemoglobin S Disease; Sickling disorder due to hemoglobin S. Identifiers: Orphanet 232, Orphanet 275752, MedGen C0002895, MONDO:0011382, OMIM 603903.
beta Thalassemia (BTHAL). Also called: Cooley's anemia; Erythroblastic anemia; Mediterranean anemia. Identifiers: Orphanet 848, MedGen C0005283, MONDO:0019402. Disease mechanism: loss of function.

Submissions (3):

Labcorp Genetics (formerly Invitae), Labcorp
Classification: Pathogenic. Last evaluated: 2024-02-25. Review status: criteria provided, single submitter. Criteria: Invitae Variant Classification Sherloc (09022015). Collection method: clinical testing. Allele origin: germline.
Comment: This sequence change creates a premature translational stop signal (p.Leu76Trpfs*14) in the HBB gene. It is expected to result in an absent or disrupted protein product. Loss-of-function variants in HBB are known to be pathogenic (PMID: 23637309). This variant is not present in population databases (gnomAD no frequency). This premature translational stop signal has been observed in individual(s) with beta thalassemia (PMID: 1517110). This variant is also known as deletion of C in codon 74. ClinVar contains an entry for this variant (Variation ID: 495983). For these reasons, this variant has been classified as Pathogenic.

Women's Health and Genetics/Laboratory Corporation of America, LabCorp
Classification: Likely pathogenic for beta Thalassemia. Last evaluated: 2016-02-08. Review status: criteria provided, single submitter. Criteria: LabCorp Variant Classification Summary - May 2015. Collection method: clinical testing. Allele origin: germline.
Comment: Variant summary: Variant is a deletion of a nucleotide resulting in a frameshift mutation and mutation taster predicts this variant to be disease causing. Frameshift mutations in HBB are known mechanism of the disease (GeneReviews). It is absent from the large and broad cohorts of the ExAC project while it was observed in a patient with transfusion dependent sever thalassemia in homozygosity indicating a pathogenic impact (Basak_1992). It was also observed in a patient with 0 phenotype in compound heterozygosity with a codon 5 mutation (Sarookhani_2010). Considering all evidence, the variant was classified as Likely Pathogenic.

Kariminejad - Najmabadi Pathology & Genetics Center
Classification: Pathogenic for Hb SS disease. Review status: criteria provided, single submitter. Criteria: ACMG Guidelines, 2015. Collection method: clinical testing. Allele origin: germline. Affected: no.

Literature cited by the submitters: PubMed 23637309 (cited by Labcorp Genetics (formerly Invitae), Labcorp); PubMed 1517110 (cited by Labcorp Genetics (formerly Invitae), Labcorp and Women's Health and Genetics/Laboratory Corporation of America, LabCorp); PubMed 14734204 (cited by Women's Health and Genetics/Laboratory Corporation of America, LabCorp); PubMed 12368169 (cited by Women's Health and Genetics/Laboratory Corporation of America, LabCorp); PubMed 11480785 (cited by Women's Health and Genetics/Laboratory Corporation of America, LabCorp).